The following is an entry in ClinVar:

NM_018975.4(TERF2IP):c.416C>T (p.Ala139Val)

Gene: TERF2IP (TERF2 interacting protein; plus strand). Cytogenetic location: 16q23.1.
Variant type: single nucleotide variant.
Coding change: c.416C>T on transcript NM_018975.4 (MANE Select); coding-DNA position 416, C replaced by T.
Protein change: p.Ala139Val; replaces alanine 139 with valine.
Molecular consequence: missense variant. On other transcripts: non-coding transcript variant (1).
Genome position (GRCh38, 1-based): chr16:75,648,298, C>T. VCF-style: chr16-75648298-C-T. GRCh37 (hg19) VCF-style: chr16-75682196-C-T.
Other names: short protein forms A139V.
Identifiers: ClinVar variation 1738406 (VCV001738406.2), dbSNP rs1444150026, ClinGen allele CA396817858.
Genomic context (GRCh38, chr16:75,648,298, plus strand): 5'-CCGAGGGCGCCGCGGAGCCGGAGCCGCAGCGGCACGCCGGGCGGATCGCCTTCACGGATG[C>T]GGACGACGTAGCCATCCTTACCTACGTGAAGGAAAATGCCCGCTCGCCCAGCTCCGTCAC-3'
Protein context (NP_061848.2, residues 129-149): RHAGRIAFTD[Ala139Val]DDVAILTYVK

ClinVar aggregate classification (germline): Uncertain significance (1 of 4 stars; one submission).

Allele frequency attached by ClinVar (database versions not stated): gnomAD 0.00001; TOPMed 0.00001.

Submission:

Ambry Genetics
Classification: Uncertain significance. Last evaluated: 2023-10-28. Review status: criteria provided, single submitter. Criteria: Ambry Variant Classification Scheme 2023. Collection method: clinical testing. Allele origin: germline.
Comment: The p.A139V variant (also known as c.416C>T), located in coding exon 1 of the TERF2IP gene, results from a C to T substitution at nucleotide position 416. The alanine at codon 139 is replaced by valine, an amino acid with similar properties. This amino acid position is conserved. In addition, this alteration is predicted to be tolerated by in silico analysis. Since supporting evidence is limited at this time, the clinical significance of this alteration remains unclear.